The following is an entry in ClinVar:

ClinVar aggregate classification (germline): Uncertain significance (1 of 4 stars; one submission).

Conditions:
IVNS1ABP-related disorder. Also called: IVNS1ABP-related condition.

gnomAD v4.1: 12 of 1,613,554 alleles (0.00074%); highest among the groups gnomAD compares: Non-Finnish European, 0.00085%; no homozygotes.

Submission:

PreventionGenetics, part of Exact Sciences
Classification: Uncertain significance for IVNS1ABP-related condition. Last evaluated: 2023-09-25. Review status: criteria provided, single submitter. Criteria: ACMG Guidelines, 2015. Collection method: clinical testing. Allele origin: germline.
Comment: The IVNS1ABP c.1675G>C variant is predicted to result in the amino acid substitution p.Gly559Arg. To our knowledge, this variant has not been reported in the literature. This variant is reported in 0.0018% of alleles in individuals of European (Non-Finnish) descent in gnomAD. At this time, the clinical significance of this variant is uncertain due to the absence of conclusive functional and genetic evidence.

NM_006469.5(IVNS1ABP):c.1675G>C (p.Gly559Arg)

Gene: IVNS1ABP (influenza virus NS1A binding protein; minus strand). Cytogenetic location: 1q25.3.
Variant type: single nucleotide variant.
Coding change: c.1675G>C on transcript NM_006469.5 (MANE Select); coding-DNA position 1675, G replaced by C.
Protein change: p.Gly559Arg; replaces glycine 559 with arginine.
Molecular consequence: missense variant.
Genome position (GRCh38, 1-based): chr1:185,299,710, C>G on the plus strand (G>C on the coding strand, the complement: IVNS1ABP is on the minus strand). VCF-style: chr1-185299710-C-G. GRCh37 (hg19) VCF-style: chr1-185268842-C-G.
Other names: short protein forms G559R.
Identifiers: ClinVar variation 2635796 (VCV002635796.1), dbSNP rs1460740417, ClinGen allele CA343878291.